The following is an entry in ClinVar:

ClinVar aggregate classification (germline): Uncertain significance. Review status: criteria provided, multiple submitters, no conflicts (2 of 4 stars). 2 submissions from 2 submitters: Uncertain significance (2). Last evaluated 2026-05-19.

Conditions:
Dyskeratosis congenita, autosomal dominant 2. Identifiers: MedGen C3151443, MONDO:0013521, OMIM 613989.
Idiopathic Pulmonary Fibrosis. Also called: Idiopathic fibrosing alveolitis, chronic form; idiopathic fibrosing alveolitis. Identifiers: Orphanet 2032, MedGen C1800706, MeSH D054990, MONDO:0800504.
Dyskeratosis congenita. Identifiers: Orphanet 1775, MedGen C0265965, MONDO:0015780.

Allele frequency attached by ClinVar (database versions not stated): TOPMed below 0.00001.

Submissions (2):

Ambry Genetics
Classification: Uncertain significance for Dyskeratosis congenita. Last evaluated: 2026-05-19. Review status: criteria provided, single submitter. Criteria: Ambry Variant Classification Scheme 2023. Collection method: clinical testing. Allele origin: germline.
Comment: The p.H534Q variant (also known as c.1602C>A), located in coding exon 3 of the TERT gene, results from a C to A substitution at nucleotide position 1602. The histidine at codon 534 is replaced by glutamine, an amino acid with highly similar properties. This amino acid position is conserved. In addition, the in silico prediction for this alteration is inconclusive. Based on the available evidence, the clinical significance of this variant remains unclear.

Labcorp Genetics (formerly Invitae), Labcorp
Classification: Uncertain significance for Dyskeratosis congenita, autosomal dominant 2; Idiopathic Pulmonary Fibrosis. Last evaluated: 2021-03-07. Review status: criteria provided, single submitter. Criteria: Invitae Variant Classification Sherloc (09022015). Collection method: clinical testing. Allele origin: germline.
Comment: In summary, the available evidence is currently insufficient to determine the role of this variant in disease. Therefore, it has been classified as a Variant of Uncertain Significance. Advanced modeling of protein sequence and biophysical properties (such as structural, functional, and spatial information, amino acid conservation, physicochemical variation, residue mobility, and thermodynamic stability) performed at Invitae indicates that this missense variant is expected to disrupt TERT protein function. This variant has not been reported in the literature in individuals with TERT-related conditions. This variant is not present in population databases (ExAC no frequency). This sequence change replaces histidine with glutamine at codon 534 of the TERT protein (p.His534Gln). The histidine residue is highly conserved and there is a small physicochemical difference between histidine and glutamine.

NM_198253.3(TERT):c.1602C>A (p.His534Gln)

Gene: TERT (telomerase reverse transcriptase; minus strand). Cytogenetic location: 5p15.33.
Variant type: single nucleotide variant.
Coding change: c.1602C>A on transcript NM_198253.3 (MANE Select); coding-DNA position 1602, C replaced by A.
Protein change: p.His534Gln; replaces histidine 534 with glutamine.
Molecular consequence: missense variant. On other transcripts: non-coding transcript variant (2).
Genome position (GRCh38, 1-based): chr5:1,282,596, G>T on the plus strand (C>A on the coding strand, the complement: TERT is on the minus strand). VCF-style: chr5-1282596-G-T. GRCh37 (hg19) VCF-style: chr5-1282711-G-T.
Other names: c.1602C>A, p.His534Gln (NM_001193376.3); c.1602C>A (NM_198253.2); short protein forms H534Q.
Identifiers: ClinVar variation 1446111 (VCV001446111.9), dbSNP rs1750103319, ClinGen allele CA359083526.